The following is an entry in ClinVar:

NM_007294.4(BRCA1):c.4161_4162dup (p.Gln1388fs)

Gene: BRCA1 (BRCA1 DNA repair associated; minus strand). Cytogenetic location: 17q21.31.
Variant type: Microsatellite.
Coding change: c.4161_4162dup on transcript NM_007294.4 (MANE Select); coding-DNA positions 4161 to 4162, 2 bases duplicated (TC; older notation c.4161_4162dupTC).
Protein change: p.Gln1388fs; shifts the reading frame from glutamine 1388.
Molecular consequence: frameshift variant. On other transcripts: non-coding transcript variant (1).
Genome position (GRCh38, 1-based): chr17:43,090,967-43,090,968, GA duplicated on the plus strand (TC on the coding strand, the reverse complement: BRCA1 is on the minus strand); duplicating any 2 consecutive bases within chr17:43,090,967-43,090,971 gives the same sequence; the c. name uses the placement nearest the transcript's 3' end. VCF-style (leftmost placement, unchanged base first): chr17-43090966-T-TGA. GRCh37 (hg19) VCF-style: chr17-41242983-T-TGA.
Other names: c.3945_3946CT[3], p.Gln1317Leufs (NM_001407899.1, NM_001407571.1, NM_001407894.1 and 9 more transcripts); c.582_583CT[3], p.Gln196Leufs (NM_001408503.1, NM_001408505.1, NM_001408504.1); c.522_523CT[3], p.Gln176Leufs (NM_001408506.1, NM_001408507.1); c.513_514CT[3], p.Gln173Leufs (NM_001408509.1, NM_001408508.1); c.468_469CT[3], p.Gln158Leufs (NM_001408510.1); c.465_466CT[3], p.Gln157Leufs (NM_001408511.1); c.4158_4159CT[3], p.Gln1388Leufs (NM_001407597.1, NM_001407605.1, NM_001407603.1 and 30 more transcripts); c.3948_3949CT[3], p.Gln1318Leufs (NM_001407900.1, NM_001407906.1, NM_001407907.1 and 13 more transcripts); and 45 more; short protein forms Q285fs, Q1341fs, Q1388fs.
Identifiers: ClinVar variation 824643 (VCV000824643.12), dbSNP rs80357565, ClinGen allele CA915950076.

ClinVar aggregate classification (germline): Pathogenic. Review status: criteria provided, multiple submitters, no conflicts (2 of 4 stars). 2 submissions from 2 submitters: Pathogenic (2). Last evaluated 2023-07-12.

Conditions:
Hereditary breast ovarian cancer syndrome. Also called: Hereditary breast and ovarian cancer syndrome; Hereditary breast and ovarian cancer; Hereditary breast and ovarian cancer syndrome (HBOC); Breast and ovarian cancer; Hereditary breast and/or ovarian cancer syndrome; BRCA1- and BRCA2-Associated Hereditary Breast and Ovarian Cancer. Identifiers: Orphanet 145, MedGen C0677776, MeSH D061325, MONDO:0003582. Disease mechanism: loss of function.
Hereditary cancer-predisposing syndrome. Also called: Neoplastic Syndromes, Hereditary; Tumor predisposition; Hereditary neoplastic syndrome; Hereditary Cancer Syndrome. Identifiers: Orphanet 140162, MedGen C0027672, MeSH D009386, MONDO:0015356.

Submissions (2):

Ambry Genetics
Classification: Pathogenic for Hereditary cancer-predisposing syndrome. Last evaluated: 2023-07-12. Review status: criteria provided, single submitter. Criteria: Ambry Variant Classification Scheme 2023. Collection method: clinical testing. Allele origin: germline.
Comment: The c.4161_4162dupTC pathogenic mutation, located in coding exon 10 of the BRCA1 gene, results from a duplication of TC at nucleotide position 4161, causing a translational frameshift with a predicted alternate stop codon (p.Q1388Lfs*6). This variant is considered to be rare based on population cohorts in the Genome Aggregation Database (gnomAD). This alteration is expected to result in loss of function by premature protein truncation or nonsense-mediated mRNA decay. As such, this alteration is interpreted as a disease-causing mutation.

Labcorp Genetics (formerly Invitae), Labcorp
Classification: Pathogenic for Hereditary breast ovarian cancer syndrome. Last evaluated: 2021-01-08. Review status: criteria provided, single submitter. Criteria: Invitae Variant Classification Sherloc (09022015). Collection method: clinical testing. Allele origin: germline.
Comment: For these reasons, this variant has been classified as Pathogenic. This variant has not been reported in the literature in individuals with BRCA1-related conditions. ClinVar contains an entry for this variant (Variation ID: 824643). This variant is not present in population databases (ExAC no frequency). This sequence change creates a premature translational stop signal (p.Gln1388Leufs*6) in the BRCA1 gene. It is expected to result in an absent or disrupted protein product. Loss-of-function variants in BRCA1 are known to be pathogenic (PMID: 20104584).

Literature cited by the submitters: PubMed 20104584 (cited by Labcorp Genetics (formerly Invitae), Labcorp).